The following is an entry in ClinVar:

NM_001084.5(PLOD3):c.1990_1991del (p.Leu664fs)

Gene: PLOD3 (procollagen-lysine,2-oxoglutarate 5-dioxygenase 3; minus strand). Cytogenetic location: 7q22.1.
Variant type: Microsatellite.
Coding change: c.1990_1991del on transcript NM_001084.5 (MANE Select); coding-DNA positions 1990 to 1991, 2 bases deleted (CT; older notation c.1990_1991delCT).
Protein change: p.Leu664fs; shifts the reading frame from leucine 664.
Molecular consequence: frameshift variant.
Genome position (GRCh38, 1-based): chr7:101,206,849-101,206,850, AG deleted on the plus strand (CT on the coding strand, the reverse complement: PLOD3 is on the minus strand); deleting any 2 consecutive bases within chr7:101,206,849-101,206,853 gives the same sequence; the c. name uses the placement nearest the transcript's 3' end. VCF-style (leftmost placement, unchanged base first): chr7-101206848-CAG-C. GRCh37 (hg19) VCF-style: chr7-100850129-CAG-C.
Other names: short protein forms L664fs.
Identifiers: ClinVar variation 1366035 (VCV001366035.6), dbSNP rs2116793385, ClinGen allele CA2580615957.

ClinVar aggregate classification (germline): Uncertain significance (1 of 4 stars; one submission).

Submission:

Labcorp Genetics (formerly Invitae), Labcorp
Classification: Uncertain significance. Last evaluated: 2021-11-10. Review status: criteria provided, single submitter. Criteria: Invitae Variant Classification Sherloc (09022015). Collection method: clinical testing. Allele origin: germline.
Comment: In summary, the available evidence is currently insufficient to determine the role of this variant in disease. Therefore, it has been classified as a Variant of Uncertain Significance. Experimental studies and prediction algorithms are not available or were not evaluated, and the functional significance of this variant is currently unknown. This premature translational stop signal has been observed in individual(s) with clinical features of lysyl hydroxylase-3 deficiency (Invitae). This variant is not present in population databases (gnomAD no frequency). This sequence change creates a premature translational stop signal (p.Leu664Alafs*23) in the PLOD3 gene. While this is not anticipated to result in nonsense mediated decay, it is expected to disrupt the last 75 amino acid(s) of the PLOD3 protein.